The following is an entry in ClinVar:

NM_014743.3(KIAA0232):c.158A>T (p.Asp53Val)

Gene: KIAA0232 (KIAA0232; plus strand). Cytogenetic location: 4p16.1.
Variant type: single nucleotide variant.
Coding change: c.158A>T on transcript NM_014743.3 (MANE Select); coding-DNA position 158, A replaced by T.
Protein change: p.Asp53Val; replaces aspartic acid 53 with valine.
Molecular consequence: missense variant.
Genome position (GRCh38, 1-based): chr4:6,824,611, A>T. VCF-style: chr4-6824611-A-T. GRCh37 (hg19) VCF-style: chr4-6826338-A-T.
Other names: c.158A>T, p.Asp53Val (NM_001100590.2); short protein forms D53V.
Identifiers: ClinVar variation 2632683 (VCV002632683.2), dbSNP rs2549122444, ClinGen allele CA356191655.
Genomic context (GRCh38, chr4:6,824,611, plus strand): 5'-TTCATGCTTTGGGTCCAGTGCAGACCTGGCTGGGACAAGAGCTCGAGAAATGTGGCATTG[A>T]TGCCATGATTTACACTCGGTATGTCCTCAGTCTTCTGCTGCATGACAGCTATGACTACGA-3'
Protein context (NP_055558.2, residues 43-63): LGQELEKCGI[Asp53Val]AMIYTRYVLS

ClinVar aggregate classification (germline): Uncertain significance (1 of 4 stars; one submission).

Conditions:
KIAA0232-related disorder. Also called: KIAA0232-related condition.

Submission:

PreventionGenetics, part of Exact Sciences
Classification: Uncertain significance for KIAA0232-related condition. Last evaluated: 2026-03-17. Review status: criteria provided, single submitter. Criteria: ACMG Guidelines, 2015. Collection method: clinical testing. Allele origin: germline.
Comment: The KIAA0232 c.158A>T variant is predicted to result in the amino acid substitution p.Asp53Val. To our knowledge, this variant has not been reported in the literature or in gnomAD, indicating this variant is rare. At this time, the clinical significance of this variant is uncertain due to the absence of conclusive functional and genetic evidence.